The following is an entry in ClinVar:

ClinVar aggregate classification (germline): Likely pathogenic (1 of 4 stars; one submission).

Submission:

GeneDx
Classification: Likely pathogenic. Last evaluated: 2025-05-08. Review status: criteria provided, single submitter. Criteria: GeneDx Variant Classification Process June 2021. Collection method: clinical testing. Allele origin: germline. Affected: yes.
Comment: Not observed at significant frequency in large population cohorts (gnomAD); Missense variants in this gene are a common cause of disease and they are underrepresented in the general population; In silico analysis supports that this missense variant has a deleterious effect on protein structure/function; Has not been previously published as pathogenic or benign to our knowledge; This variant is associated with the following publications: (PMID: 12628188, 17143282, 20648242, 21387466, 29493581)

NM_005633.4(SOS1):c.1469T>C (p.Leu490Pro)

Gene: SOS1 (SOS Ras/Rac guanine nucleotide exchange factor 1; minus strand). Cytogenetic location: 2p22.1.
Variant type: single nucleotide variant.
Coding change: c.1469T>C on transcript NM_005633.4 (MANE Select); coding-DNA position 1469, T replaced by C.
Protein change: p.Leu490Pro; replaces leucine 490 with proline.
Molecular consequence: missense variant.
Genome position (GRCh38, 1-based): chr2:39,022,959, A>G on the plus strand (T>C on the coding strand, the complement: SOS1 is on the minus strand). VCF-style: chr2-39022959-A-G. GRCh37 (hg19) VCF-style: chr2-39250100-A-G.
Other names: c.1448T>C, p.Leu483Pro (NM_001382394.1); c.1469T>C, p.Leu490Pro (NM_001382395.1); short protein forms L483P, L490P.
Identifiers: ClinVar variation 4528113 (VCV004528113.1).